The following is an entry in ClinVar:

NM_017654.4(SAMD9):c.4090T>C (p.Cys1364Arg)

Gene: SAMD9 (sterile alpha motif domain containing 9; minus strand). Cytogenetic location: 7q21.2.
Variant type: single nucleotide variant.
Coding change: c.4090T>C on transcript NM_017654.4 (MANE Select); coding-DNA position 4090, T replaced by C.
Protein change: p.Cys1364Arg; replaces cysteine 1364 with arginine.
Molecular consequence: missense variant.
Genome position (GRCh38, 1-based): chr7:93,102,008, A>G on the plus strand (T>C on the coding strand, the complement: SAMD9 is on the minus strand). VCF-style: chr7-93102008-A-G. GRCh37 (hg19) VCF-style: chr7-92731321-A-G.
Other names: c.4090T>C, p.Cys1364Arg (NM_001193307.2); short protein forms C1364R.
Identifiers: ClinVar variation 3949486 (VCV003949486.1).

ClinVar aggregate classification (germline): Uncertain significance (1 of 4 stars; one submission).

Conditions:
Inborn genetic diseases. Identifiers: MedGen C0950123, MeSH D030342.

gnomAD v4.1: 1 of 1,613,550 alleles (0.000062%); highest among the groups gnomAD compares: Non-Finnish European, 0.000085%; no homozygotes.

Submission:

Ambry Genetics
Classification: Uncertain significance for Inborn genetic diseases. Last evaluated: 2025-03-28. Review status: criteria provided, single submitter. Criteria: Ambry Variant Classification Scheme 2023. Collection method: clinical testing. Allele origin: germline.
Comment: The p.C1364R variant (also known as c.4090T>C), located in coding exon 1 of the SAMD9 gene, results from a T to C substitution at nucleotide position 4090. The cysteine at codon 1364 is replaced by arginine, an amino acid with highly dissimilar properties. This amino acid position is conserved. In addition, this alteration is predicted to be tolerated by in silico analysis. Based on the available evidence, the clinical significance of this variant remains unclear.